The following is an entry in ClinVar:

NM_021008.4(DEAF1):c.565G>A (p.Gly189Arg)

Gene: DEAF1 (DEAF1 transcription factor; minus strand). Cytogenetic location: 11p15.5.
Variant type: single nucleotide variant.
Coding change: c.565G>A on transcript NM_021008.4 (MANE Select); coding-DNA position 565, G replaced by A.
Protein change: p.Gly189Arg; replaces glycine 189 with arginine.
Molecular consequence: missense variant. On other transcripts: 5 prime UTR variant (1).
Genome position (GRCh38, 1-based): chr11:688,010, C>T on the plus strand (G>A on the coding strand, the complement: DEAF1 is on the minus strand). VCF-style: chr11-688010-C-T. GRCh37 (hg19) VCF-style: chr11-688010-C-T.
Other names: c.565G>A, p.Gly189Arg (NM_001293634.2); c.-162G>A (NM_001367390.1); short protein forms G189R.
Identifiers: ClinVar variation 1720903 (VCV001720903.5), dbSNP rs1590017751, ClinGen allele CA378933965.

ClinVar aggregate classification (germline): Uncertain significance (1 of 4 stars; one submission).

Allele frequency attached by ClinVar (database versions not stated): TOPMed 0.00001.

Submission:

Labcorp Genetics (formerly Invitae), Labcorp
Classification: Uncertain significance. Last evaluated: 2024-04-16. Review status: criteria provided, single submitter. Criteria: Invitae Variant Classification Sherloc (09022015). Collection method: clinical testing. Allele origin: germline.
Comment: This sequence change replaces glycine, which is neutral and non-polar, with arginine, which is basic and polar, at codon 189 of the DEAF1 protein (p.Gly189Arg). This variant is not present in population databases (gnomAD no frequency). This variant has not been reported in the literature in individuals affected with DEAF1-related conditions. ClinVar contains an entry for this variant (Variation ID: 1720903). Advanced modeling of protein sequence and biophysical properties (such as structural, functional, and spatial information, amino acid conservation, physicochemical variation, residue mobility, and thermodynamic stability) has been performed at Invitae for this missense variant, however the output from this modeling did not meet the statistical confidence thresholds required to predict the impact of this variant on DEAF1 protein function. In summary, the available evidence is currently insufficient to determine the role of this variant in disease. Therefore, it has been classified as a Variant of Uncertain Significance.